The following is an entry in ClinVar:

ClinVar aggregate classification (germline): Uncertain significance (1 of 4 stars; one submission).

gnomAD v4.1: 1 of 1,613,750 alleles (0.000062%); highest among the groups gnomAD compares: African/African-American, 0.0013%; no homozygotes.

Submission:

Labcorp Genetics (formerly Invitae), Labcorp
Classification: Uncertain significance. Last evaluated: 2022-01-11. Review status: criteria provided, single submitter. Criteria: Invitae Variant Classification Sherloc (09022015). Collection method: clinical testing. Allele origin: germline.
Comment: Algorithms developed to predict the effect of missense changes on protein structure and function are either unavailable or do not agree on the potential impact of this missense change (SIFT: "Tolerated"; PolyPhen-2: "Probably Damaging"; Align-GVGD: "Class C0"). In summary, the available evidence is currently insufficient to determine the role of this variant in disease. Therefore, it has been classified as a Variant of Uncertain Significance. This sequence change replaces alanine, which is neutral and non-polar, with serine, which is neutral and polar, at codon 86 of the ROM1 protein (p.Ala86Ser). This variant is not present in population databases (gnomAD no frequency). This variant has not been reported in the literature in individuals affected with ROM1-related conditions.

NM_000327.4(ROM1):c.256G>T (p.Ala86Ser)

Gene: ROM1 (retinal outer segment membrane protein 1; plus strand). Cytogenetic location: 11q12.3.
Variant type: single nucleotide variant.
Coding change: c.256G>T on transcript NM_000327.4 (MANE Select); coding-DNA position 256, G replaced by T.
Protein change: p.Ala86Ser; replaces alanine 86 with serine.
Molecular consequence: missense variant.
Genome position (GRCh38, 1-based): chr11:62,613,537, G>T. VCF-style: chr11-62613537-G-T. GRCh37 (hg19) VCF-style: chr11-62381009-G-T.
Other names: short protein forms A86S.
Identifiers: ClinVar variation 1372783 (VCV001372783.6), dbSNP rs139112694, ClinGen allele CA380969141.